The following is an entry in ClinVar:

NM_001009944.3(PKD1):c.6396C>T (p.Phe2132=)

Gene: PKD1 (polycystin 1, transient receptor potential channel interacting; minus strand). Cytogenetic location: 16p13.3.
Variant type: single nucleotide variant.
Coding change: c.6396C>T on transcript NM_001009944.3 (MANE Select); coding-DNA position 6396, C replaced by T.
Protein change: p.Phe2132=; no amino-acid change (phenylalanine 2132 retained).
Molecular consequence: synonymous variant.
Genome position (GRCh38, 1-based): chr16:2,108,771, G>A on the plus strand (C>T on the coding strand, the complement: PKD1 is on the minus strand). VCF-style: chr16-2108771-G-A. GRCh37 (hg19) VCF-style: chr16-2158772-G-A.
Other names: c.6396C>T, p.Phe2132= (NM_000296.4).
Identifiers: ClinVar variation 4986388 (VCV004986388.1).

ClinVar aggregate classification (germline): Likely benign (1 of 4 stars; one submission).

Conditions:
PKD1-related disorder. Also called: PKD1-related condition.

gnomAD v4.1: 30 of 1,572,282 alleles (0.0019%); highest among the groups gnomAD compares: Admixed American, 0.014%; no homozygotes.

Submission:

PreventionGenetics, part of Exact Sciences
Classification: Likely benign for PKD1-related condition. Last evaluated: 2026-02-17. Review status: criteria provided, single submitter. Criteria: ACMG Guidelines, 2015. Collection method: clinical testing. Allele origin: germline.
Comment: This variant is classified as likely benign based on ACMG/AMP sequence variant interpretation guidelines (Richards et al. 2015 PMID: 25741868, with internal and published modifications).